The following is an entry in ClinVar:

ClinVar aggregate classification (germline): Likely benign. Review status: criteria provided, multiple submitters, no conflicts (2 of 4 stars). 2 submissions from 2 submitters: Likely benign (2). Last evaluated 2022-06-01.

Allele frequency attached by ClinVar (database versions not stated): TOPMed 0.00009; gnomAD 0.00011; gnomAD exomes 0.00011; ESP Exome Variant Server 0.00016; ExAC 0.00029.
gnomAD v4.1: 175 of 1,614,062 alleles (0.011%); highest among the groups gnomAD compares: Non-Finnish European, 0.013%; no homozygotes.

Submissions (2):

CeGaT Center for Human Genetics Tuebingen
Classification: Likely benign. Last evaluated: 2022-06-01. Review status: criteria provided, single submitter. Criteria: CeGaT Center For Human Genetics Tuebingen Variant Classification Criteria Version 2. Collection method: clinical testing. Allele origin: germline. Affected: yes. Observed: 2 variant alleles.
Comment: TRAK1: BP4, BP7

Blueprint Genetics
Classification: Likely benign. Last evaluated: 2022-04-11. Review status: criteria provided, single submitter. Criteria: ACMG Guidelines, 2015. Collection method: clinical testing. Allele origin: germline.

NM_001042646.3(TRAK1):c.120A>G (p.Glu40=)

Gene: TRAK1 (trafficking kinesin protein 1; plus strand). Cytogenetic location: 3p22.1.
Variant type: single nucleotide variant.
Coding change: c.120A>G on transcript NM_001042646.3 (MANE Select); coding-DNA position 120, A replaced by G.
Protein change: p.Glu40=; no amino-acid change (glutamic acid 40 retained).
Molecular consequence: synonymous variant. On other transcripts: 5 prime UTR variant (1), non-coding transcript variant (1).
Genome position (GRCh38, 1-based): chr3:42,125,448, A>G. VCF-style: chr3-42125448-A-G. GRCh37 (hg19) VCF-style: chr3-42166940-A-G.
Other names: c.120A>G, p.Glu40= (NM_001265608.2, NM_001349246.2, NM_001349247.2); c.-193A>G (NM_001349245.1).
Identifiers: ClinVar variation 2653700 (VCV002653700.23), dbSNP rs374392581, ClinGen allele CA2332932.
Genomic context (GRCh38, chr3:42,125,448, plus strand): 5'-GGGCTCTCATTTCTTGGTTGTCTTGTCTTTAGATGTGTGCAACAGCACCGATCTTCCGGA[A>G]GTCGAGATCATTAGCCTGCTGGAGGAGCAGCTGCCCCATTATAAGTTAAGAGCCGACACC-3'
Protein context (NP_001036111.1, residues 30-50): CDVCNSTDLP[Glu40=]VEIISLLEEQ